The following is an entry in ClinVar:

NM_001848.3(COL6A1):c.234C>A (p.Tyr78Ter)

Gene: COL6A1 (collagen type VI alpha 1 chain; plus strand). Cytogenetic location: 21q22.3.
Variant type: single nucleotide variant.
Coding change: c.234C>A on transcript NM_001848.3 (MANE Select); coding-DNA position 234, C replaced by A.
Protein change: p.Tyr78Ter; replaces tyrosine 78 with a stop codon.
Molecular consequence: nonsense.
Genome position (GRCh38, 1-based): chr21:45,984,275, C>A. VCF-style: chr21-45984275-C-A. GRCh37 (hg19) VCF-style: chr21-47404189-C-A.
Other names: short protein forms Y78*.
Identifiers: ClinVar variation 2444174 (VCV002444174.1), dbSNP rs2077724517, ClinGen allele CA410515704.

ClinVar aggregate classification (germline): Pathogenic (1 of 4 stars; one submission).

Conditions:
Ullrich congenital muscular dystrophy 1A. Also called: Ullrich congenital muscular dystrophy 1; Intermediate COL6-RD. Identifiers: Orphanet 75840, MedGen C0410179, MONDO:0009681, OMIM 254090.

Allele frequency attached by ClinVar (database versions not stated): TOPMed below 0.00001.

Submission:

3billion
Classification: Pathogenic for Ullrich congenital muscular dystrophy 1A. Last evaluated: 2023-02-23. Review status: criteria provided, single submitter. Criteria: ACMG Guidelines, 2015. Collection method: clinical testing. Allele origin: unknown. Affected: yes.
Comment: The variant is not observed in the gnomAD v2.1.1 dataset. This homozygous variant was predicted to result in a loss or disruption of normal protein function through nonsense-mediated decay (NMD) or protein truncation. Multiple pathogenic variants are reported downstream of the variant. Therefore, this variant is classified as Pathogenic according to the recommendation of ACMG/AMP guideline.